The following is an entry in ClinVar:

ClinVar aggregate classification (germline): Uncertain significance (1 of 4 stars; one submission).

Conditions:
Familial episodic pain syndrome with predominantly lower limb involvement. Also called: Episodic pain syndrome, familial, 3. Identifiers: Orphanet 391384, Orphanet 391392, MedGen C3809899, MONDO:0014247, OMIM 615552.
Hereditary sensory and autonomic neuropathy type 7. Also called: Neuropathy, hereditary sensory and autonomic, type VII; HSAN VII. Identifiers: Orphanet 391397, MedGen C3809882, MONDO:0014244, OMIM 615548.

gnomAD v4.1: 2 of 1,547,938 alleles (0.00013%); highest among the groups gnomAD compares: African/African-American, 0.0027%; no homozygotes.

Submission:

Labcorp Genetics (formerly Invitae), Labcorp
Classification: Uncertain significance for Familial episodic pain syndrome with predominantly lower limb involvement; Hereditary sensory and autonomic neuropathy type 7. Last evaluated: 2025-11-07. Review status: criteria provided, single submitter. Criteria: Invitae Variant Classification Sherloc (09022015). Collection method: clinical testing. Allele origin: germline.
Comment: This sequence change falls in intron 2 of the SCN11A gene. It does not directly change the encoded amino acid sequence of the SCN11A protein. It affects a nucleotide within the consensus splice site. This variant is not present in population databases (gnomAD no frequency). This variant has not been reported in the literature in individuals affected with SCN11A-related conditions. Variants that disrupt the consensus splice site are a relatively common cause of aberrant splicing (PMID: 17576681, 9536098). Algorithms developed to predict the effect of sequence changes on RNA splicing suggest that this variant is not likely to affect RNA splicing. In summary, the available evidence is currently insufficient to determine the role of this variant in disease. Therefore, it has been classified as a Variant of Uncertain Significance.

Literature cited by the submitters: PubMed 17576681; PubMed 9536098.

NM_001349253.2(SCN11A):c.387-3C>G

Gene: SCN11A (sodium voltage-gated channel alpha subunit 11; minus strand). Cytogenetic location: 3p22.2.
Variant type: single nucleotide variant.
Coding change: c.387-3C>G on transcript NM_001349253.2 (MANE Select); 3 bases into the intron before coding-DNA position 387, C replaced by G.
Molecular consequence: intron variant.
Genome position (GRCh38, 1-based): chr3:38,945,515, G>C on the plus strand (C>G on the coding strand, the complement: SCN11A is on the minus strand). VCF-style: chr3-38945515-G-C. GRCh37 (hg19) VCF-style: chr3-38987006-G-C.
Other names: c.387-3C>G (NM_014139.3).
Identifiers: ClinVar variation 4784913 (VCV004784913.1).
Genomic context (GRCh38, chr3:38,945,515, plus strand): 5'-TGTAGCCATGAACACGCAGTTGATGATAACGGTGCCGATAATGAACATGCTGAACAATGT[G>C]GCCAGCATCCATTAAGGCAGATATGTTGCAGGATGGCATGCATCATTAGCTACTGGGTAA-3'